The following is an entry in ClinVar:

NM_001174147.2(LMX1B):c.915G>A (p.Met305Ile)

Gene: LMX1B (LIM homeobox transcription factor 1 beta; plus strand). Cytogenetic location: 9q33.3.
Variant type: single nucleotide variant.
Coding change: c.915G>A on transcript NM_001174147.2 (MANE Select); coding-DNA position 915, G replaced by A.
Protein change: p.Met305Ile; replaces methionine 305 with isoleucine.
Molecular consequence: missense variant.
Genome position (GRCh38, 1-based): chr9:126,695,867, G>A. VCF-style: chr9-126695867-G-A. GRCh37 (hg19) VCF-style: chr9-129458146-G-A.
Other names: c.948G>A, p.Met316Ile (NM_001174146.2); c.915G>A, p.Met305Ile (NM_002316.4); short protein forms M305I, M316I.
Identifiers: ClinVar variation 1394734 (VCV001394734.7), dbSNP rs2118997138, ClinGen allele CA374914906.
Genomic context (GRCh38, chr9:126,695,867, plus strand): 5'-GGCCAGGGGGTGAAGGCTCACTGTGCCCCCAGAGGTCCTGTCCAGCCGCATGGAGGGCAT[G>A]ATGGCTTCCTACACGCCGCTGGCCCCACCACAGCAGCAGATCGTGGCCATGGAACAGAGC-3'
Protein context (NP_001167618.1, residues 295-315): QEVLSSRMEG[Met305Ile]MASYTPLAPP

ClinVar aggregate classification (germline): Conflicting classifications of pathogenicity. Review status: criteria provided, conflicting classifications (1 of 4 stars). 2 submissions from 2 submitters: Uncertain significance (1); Likely benign (1). Last evaluated 2024-09-20.

Conditions:
Nail-patella syndrome (NPS). Also called: ONYCHOOSTEODYSPLASIA; TURNER-KIESER SYNDROME; FONG DISEASE. Identifiers: Orphanet 2614, MedGen C0027341, MONDO:0008061, OMIM 161200.
Nail-patella-like renal disease. Also called: GLOMERULAR BASEMENT MEMBRANE DISEASE, NAIL-PATELLA SYNDROME TYPE; Focal Segmental Glomerulosclerosis 10. Identifiers: Orphanet 2613, MedGen C0403548, MONDO:0009724, OMIM 256020.

Submissions (2):

3billion
Classification: Likely benign for Nail-patella syndrome; Nail-patella-like renal disease. Last evaluated: 2024-09-20. Review status: criteria provided, single submitter. Criteria: ACMG Guidelines, 2015. Collection method: clinical testing. Allele origin: germline. Affected: no.
Comment: The variant was identified in at least one patient who was diagnosed with a different variant in another gene and showed no symptoms related to the gene containing the variant in question.

Labcorp Genetics (formerly Invitae), Labcorp
Classification: Uncertain significance. Last evaluated: 2021-11-23. Review status: criteria provided, single submitter. Criteria: Invitae Variant Classification Sherloc (09022015). Collection method: clinical testing. Allele origin: germline.
Comment: This sequence change replaces methionine, which is neutral and non-polar, with isoleucine, which is neutral and non-polar, at codon 305 of the LMX1B protein (p.Met305Ile). This variant is not present in population databases (gnomAD no frequency). This variant has not been reported in the literature in individuals affected with LMX1B-related conditions. Algorithms developed to predict the effect of missense changes on protein structure and function are either unavailable or do not agree on the potential impact of this missense change (SIFT: "Deleterious"; PolyPhen-2: "Benign"; Align-GVGD: "Class C0"). In summary, the available evidence is currently insufficient to determine the role of this variant in disease. Therefore, it has been classified as a Variant of Uncertain Significance.